The following is an entry in ClinVar:

NM_001288705.3(CSF1R):c.2165_2166delinsAT (p.Thr722Asn)

Gene: CSF1R (colony stimulating factor 1 receptor; minus strand). Cytogenetic location: 5q32.
Variant type: Indel.
Coding change: c.2165_2166delinsAT on transcript NM_001288705.3 (MANE Select); coding-DNA positions 2165 to 2166, CC replaced by AT.
Protein change: p.Thr722Asn; replaces threonine 722 with asparagine.
Molecular consequence: missense variant. On other transcripts: non-coding transcript variant (2).
Genome position (GRCh38, 1-based): chr5:150,057,559-150,057,560, GG replaced by AT on the plus strand (CC replaced by AT on the coding strand, the reverse complement: CSF1R is on the minus strand). VCF-style: chr5-150057559-GG-AT. GRCh37 (hg19) VCF-style: chr5-149437122-GG-AT.
Other names: c.2165_2166delinsAT, p.Thr722Asn (NM_001349736.2, NM_001375320.1, NM_005211.4); c.1721_1722delinsAT, p.Thr574Asn (NM_001375321.1); short protein forms T574N, T722N.
Identifiers: ClinVar variation 1469995 (VCV001469995.8), dbSNP rs2113782693, ClinGen allele CA2573139288.

ClinVar aggregate classification (germline): Uncertain significance (1 of 4 stars; one submission).

Submission:

Labcorp Genetics (formerly Invitae), Labcorp
Classification: Uncertain significance. Last evaluated: 2025-12-30. Review status: criteria provided, single submitter. Criteria: Invitae Variant Classification Sherloc (09022015). Collection method: clinical testing. Allele origin: germline.
Comment: This sequence change replaces threonine, which is neutral and polar, with asparagine, which is neutral and polar, at codon 722 of the CSF1R protein (p.Thr722Asn). The frequency data for this variant in the population databases is considered unreliable, as metrics indicate poor data quality at this position in the gnomAD database. This variant has not been reported in the literature in individuals affected with CSF1R-related conditions. ClinVar contains an entry for this variant (Variation ID: 1469995). An algorithm developed to predict the effect of missense changes on protein structure and function (PolyPhen-2) suggests that this variant is likely to be disruptive. In summary, the available evidence is currently insufficient to determine the role of this variant in disease. Therefore, it has been classified as a Variant of Uncertain Significance.